The following is an entry in ClinVar:

NM_020928.2(ZSWIM6):c.1201A>G (p.Met401Val)

Gene: ZSWIM6 (zinc finger SWIM-type containing 6; plus strand). Cytogenetic location: 5q12.1.
Variant type: single nucleotide variant.
Coding change: c.1201A>G on transcript NM_020928.2 (MANE Select); coding-DNA position 1201, A replaced by G.
Protein change: p.Met401Val; replaces methionine 401 with valine.
Molecular consequence: missense variant.
Genome position (GRCh38, 1-based): chr5:61,494,278, A>G. VCF-style: chr5-61494278-A-G. GRCh37 (hg19) VCF-style: chr5-60790105-A-G.
Other names: short protein forms M401V.
Identifiers: ClinVar variation 4532564 (VCV004532564.1).
Genomic context (GRCh38, chr5:61,494,278, plus strand): 5'-TCGTTTTGAACAATTTTCTAAAGGTCTGTTTTTCCCCATTAGGTGCGGGAGATGTTAAAG[A>G]TGAGGGACTCCAATGGGGCCCGCATGTTGACCTTGATAACAGAGCAATTCATGGCTGACC-3'
Protein context (NP_065979.1, residues 391-411): LFAKVREMLK[Met401Val]RDSNGARMLT

ClinVar aggregate classification (germline): Uncertain significance (1 of 4 stars; one submission).

Submission:

GeneDx
Classification: Uncertain significance. Last evaluated: 2025-05-27. Review status: criteria provided, single submitter. Criteria: GeneDx Variant Classification Process June 2021. Collection method: clinical testing. Allele origin: germline. Affected: yes.
Comment: Has not been previously published as pathogenic or benign to our knowledge